The following is an entry in ClinVar:

NM_001035.3(RYR2):c.7825-5C>T

Gene: RYR2 (ryanodine receptor 2; plus strand). Cytogenetic location: 1q43.
Variant type: single nucleotide variant.
Coding change: c.7825-5C>T on transcript NM_001035.3 (MANE Select); 5 bases into the intron before coding-DNA position 7825, C replaced by T.
Molecular consequence: intron variant.
Genome position (GRCh38, 1-based): chr1:237,654,269, C>T. VCF-style: chr1-237654269-C-T. GRCh37 (hg19) VCF-style: chr1-237817569-C-T.
Identifiers: ClinVar variation 753339 (VCV000753339.13), dbSNP rs1288446861, ClinGen allele CA733318227.

ClinVar aggregate classification (germline): Likely benign. Review status: criteria provided, multiple submitters, no conflicts (2 of 4 stars). 2 submissions from 2 submitters: Likely benign (2). Last evaluated 2024-12-11.

Conditions:
Catecholaminergic polymorphic ventricular tachycardia (CVPT). Also called: Catecholamine-induced polymorphic ventricular tachycardia. Identifiers: Orphanet 3286, MedGen C5574922, MONDO:0017990.
Catecholaminergic polymorphic ventricular tachycardia 1. Also called: RYR2-Related Catecholaminergic Polymorphic Ventricular Tachycardia; VENTRICULAR TACHYCARDIA, STRESS-INDUCED POLYMORPHIC 1; VENTRICULAR TACHYCARDIA, CATECHOLAMINERGIC POLYMORPHIC, 1, WITH OR WITHOUT ATRIAL DYSFUNCTION AND/OR DILATED CARDIOMYOPATHY. Identifiers: Orphanet 3286, MedGen C1631597, MONDO:0011484, OMIM 604772.

Allele frequency attached by ClinVar (database versions not stated): gnomAD exomes below 0.00001; TOPMed below 0.00001; gnomAD 0.00001.
gnomAD v4.1: 7 of 1,612,978 alleles (0.00043%); highest among the groups gnomAD compares: Non-Finnish European, 0.00059%; no homozygotes.

Submissions (2):

Labcorp Genetics (formerly Invitae), Labcorp
Classification: Likely benign for Catecholaminergic polymorphic ventricular tachycardia 1. Last evaluated: 2024-12-11. Review status: criteria provided, single submitter. Criteria: Invitae Variant Classification Sherloc (09022015). Collection method: clinical testing. Allele origin: germline.

All of Us Research Program, National Institutes of Health
Classification: Likely benign for Catecholaminergic polymorphic ventricular tachycardia. Last evaluated: 2023-09-17. Review status: criteria provided, single submitter. Criteria: ACMG Guidelines, 2015. Collection method: clinical testing. Allele origin: germline. Inheritance: Autosomal dominant inheritance. Observed: 1 variant allele, 1 heterozygote.
Comment: This study involves interpretation of variants in research participants for the purpose of population health screening. Participant phenotype was not available at the time of variant classification. Additional details can be found in publication PMID: 35346344, PMCID: PMC8962531